The following is an entry in ClinVar:

ClinVar aggregate classification (germline): Uncertain significance (1 of 4 stars; one submission).

Allele frequency attached by ClinVar (database versions not stated): gnomAD exomes below 0.00001.
gnomAD v4.1: 1 of 1,612,976 alleles (0.000062%); highest among the groups gnomAD compares: Admixed American, 0.0017%; no homozygotes.

Submission:

CeGaT Center for Human Genetics Tuebingen
Classification: Uncertain significance. Last evaluated: 2022-11-01. Review status: criteria provided, single submitter. Criteria: CeGaT Center For Human Genetics Tuebingen Variant Classification Criteria Version 2. Collection method: clinical testing. Allele origin: germline. Affected: yes. Observed: 1 variant allele.
Comment: NF1: PM2

NM_001042492.3(NF1):c.1751A>G (p.Lys584Arg)

Gene: NF1 (neurofibromin 1; plus strand). Cytogenetic location: 17q11.2.
Variant type: single nucleotide variant.
Coding change: c.1751A>G on transcript NM_001042492.3 (MANE Select); coding-DNA position 1751, A replaced by G.
Protein change: p.Lys584Arg; replaces lysine 584 with arginine.
Molecular consequence: missense variant.
Genome position (GRCh38, 1-based): chr17:31,223,473, A>G. VCF-style: chr17-31223473-A-G. GRCh37 (hg19) VCF-style: chr17-29550491-A-G.
Other names: c.1751A>G, p.Lys584Arg (NM_000267.4); short protein forms K584R.
Identifiers: ClinVar variation 1879368 (VCV001879368.29), dbSNP rs1567845855, ClinGen allele CA399004122.